The following is an entry in ClinVar:

NM_153816.6(SNX14):c.2764_2770del (p.Leu921_Asp922insTer)

Gene: SNX14 (sorting nexin 14; minus strand). Cytogenetic location: 6q14.3.
Variant type: Deletion.
Coding change: c.2764_2770del on transcript NM_153816.6 (MANE Select); coding-DNA positions 2764 to 2770, 7 bases deleted (GACATTG; older notation c.2764_2770delGACATTG).
Protein change: p.Leu921_Asp922insTer.
Molecular consequence: nonsense. On other transcripts: non-coding transcript variant (6), intron variant (1).
Genome position (GRCh38, 1-based): chr6:85,507,265-85,507,271, CAATGTC deleted on the plus strand (GACATTG on the coding strand, the reverse complement: SNX14 is on the minus strand); deleting any 7 consecutive bases within chr6:85,507,265-85,507,275 gives the same sequence; the c. name uses the placement nearest the transcript's 3' end. VCF-style (leftmost placement, unchanged base first): chr6-85507264-ACAATGTC-A. GRCh37 (hg19) VCF-style: chr6-86216982-ACAATGTC-A.
Other names: NM_153816.6(SNX14):c.2764_2770del; p.Leu921_Asp922insTer; c.2737_2743del, p.Leu912_Asp913insTer (NM_001297614.3); c.2608_2614del, p.Leu869_Asp870insTer (NM_001304479.2); c.2827_2833del, p.Leu942_Asp943insTer (NM_001350532.2); c.2761_2767del, p.Leu920_Asp921insTer (NM_001350533.2); c.2734_2740del, p.Leu911_Asp912insTer (NM_001350534.2); c.2632_2638del, p.Leu877_Asp878insTer (NM_001350536.2); and 13 more.
Identifiers: ClinVar variation 419155 (VCV000419155.3), dbSNP rs1064793681, ClinGen allele CA16618336.

ClinVar aggregate classification (germline): Conflicting classifications of pathogenicity. Review status: criteria provided, conflicting classifications (1 of 4 stars). 2 submissions from 2 submitters: Pathogenic (1); Uncertain significance (1). Last evaluated 2023-05-02.

Conditions:
Autosomal recessive spinocerebellar ataxia 20. Identifiers: Orphanet 397709, MedGen C5190595, MONDO:0014601, OMIM 616354.

Submissions (2):

Broad Center for Mendelian Genomics, Broad Institute of MIT and Harvard
Classification: Uncertain significance for Autosomal recessive spinocerebellar ataxia 20. Last evaluated: 2023-05-02. Review status: criteria provided, single submitter. Criteria: ACMG Guidelines, 2015. Collection method: curation. Allele origin: germline. Inheritance: Autosomal recessive inheritance.
Comment: The p.Leu921_Asp922insTer variant in SNX14 has been previously reported in 2 affected siblings from one family with autosomal recessive spinocerebellar ataxia 20 (PMID: 25848753) but has been identified in 0.00003% (1/30084) of South Asian chromosomes by the by the Genome Aggregation Database (gnomAD; dbSNP ID: rs1064793681). Although this variant has been seen in the general population in a heterozygous state, its frequency is low enough to be consistent with a recessive carrier frequency. This variant has also been reported in ClinVar (Variation ID: 419155) and has been interpreted as pathogenic by GeneDx. This variant is predicted to cause a frameshift, which alters the protein‚Äôs amino acid sequence beginning at position 922 and leads to a premature termination codon 1 amino acids downstream. This termination codon occurs within the terminal 50 bases of the second to last exon and is more likely to escape nonsense mediated decay (NMD) and result in a truncated protein. Loss of function of the SNX14 gene is an established disease mechanism in autosomal recessive spinocerebellar ataxia 20. In summary, while there is some suspicion for a pathogenic role, the clinical significance of this variant is uncertain. ACMG/AMP Criteria applied: PVS1_Moderate, PM2_Supporting, PM3 (Richards 2015).

GeneDx
Classification: Pathogenic. Last evaluated: 2017-05-05. Review status: criteria provided, single submitter. Criteria: GeneDx Variant Classification (06012015). Collection method: clinical testing. Allele origin: germline. Affected: yes.
Comment: The c.2764_2770delGACATTG deletion in the SNX14 gene has been reported previously in thehomozygous state in association with SNX14-related disorder (Akizu et al., 2015). Thec.2764_2770delGACATTG variant changes codon Aspartic acid 922 to a premature Stop codon, denotedp.Asp922Ter. This deletion is predicted to cause loss of normal protein function through proteintruncation. The c.2764_2770delGACATTG deletion was not observed in approximately 6500 individualsof European and African American ancestry in the NHLBI Exome Sequencing Project, indicating it is nota common benign variant in these populations. We interpret c.2764_2770delGACATTG as a pathogenic variant.